The following is an entry in ClinVar:

ClinVar aggregate classification (germline): Likely benign (1 of 4 stars; one submission).

Allele frequency attached by ClinVar (database versions not stated): ExAC 0.00041; gnomAD 0.00055; 1000 Genomes Project 30x 0.00078; 1000 Genomes Project 0.00100.
gnomAD v4.1: 672 of 1,611,078 alleles (0.042%); highest among the groups gnomAD compares: East Asian, 0.43%; 5 homozygotes.

Submission:

CeGaT Center for Human Genetics Tuebingen
Classification: Likely benign. Last evaluated: 2023-02-01. Review status: criteria provided, single submitter. Criteria: CeGaT Center For Human Genetics Tuebingen Variant Classification Criteria Version 2. Collection method: clinical testing. Allele origin: germline. Affected: yes. Observed: 2 variant alleles.
Comment: MUC5B: BP4, BP7

NM_002458.3(MUC5B):c.7827G>A (p.Leu2609=)

Genes: MUC5B (mucin 5B, oligomeric mucus/gel-forming; plus strand), MUC5B-AS1 (MUC5B antisense RNA 1; minus strand). Cytogenetic location: 11p15.5.
Variant type: single nucleotide variant.
Coding change: c.7827G>A on transcript NM_002458.3 (MANE Select); coding-DNA position 7827, G replaced by A.
Protein change: p.Leu2609=; no amino-acid change (leucine 2609 retained).
Molecular consequence: synonymous variant.
Genome position (GRCh38, 1-based): chr11:1,244,707, G>A. VCF-style: chr11-1244707-G-A. GRCh37 (hg19) VCF-style: chr11-1265937-G-A.
Identifiers: ClinVar variation 2641235 (VCV002641235.24), dbSNP rs544957410, ClinGen allele CA5806440.
Genomic context (GRCh38, chr11:1,244,707, plus strand): 5'-CACCGGCTCTGTGGCCACCCCCTCCTCCACCCCAGGAACAGCTCACACTACCAAAGTGCT[G>A]ACTACCACAACCACGGGCTTCACAGCCACCCCCTCCTCCAGCCCAGGGACGGCACGCACG-3'
Protein context (NP_002449.2, residues 2599-2619): TPGTAHTTKV[Leu2609=]TTTTTGFTAT